The following is an entry in ClinVar:

NM_022168.4(IFIH1):c.2911A>G (p.Met971Val)

Gene: IFIH1 (interferon induced with helicase C domain 1; minus strand). Cytogenetic location: 2q24.2.
Variant type: single nucleotide variant.
Coding change: c.2911A>G on transcript NM_022168.4 (MANE Select); coding-DNA position 2911, A replaced by G.
Protein change: p.Met971Val; replaces methionine 971 with valine.
Molecular consequence: missense variant.
Genome position (GRCh38, 1-based): chr2:162,267,367, T>C on the plus strand (A>G on the coding strand, the complement: IFIH1 is on the minus strand). VCF-style: chr2-162267367-T-C. GRCh37 (hg19) VCF-style: chr2-163123877-T-C.
Other names: short protein forms M971V.
Identifiers: ClinVar variation 4783290 (VCV004783290.1).
Genomic context (GRCh38, chr2:162,267,367, plus strand): 5'-AAACCACTACAAAATTCCTTATTTTGAGACAAGGCAAATCTAAGCCTTTGTGCACCATCA[T>C]TGTTCCCCAAGCCTGGAAAACAAAAGAGAGAGCAAGAGGAAAATTAAATGTACATGCAAT-3'
Protein context (NP_071451.2, residues 961-981): ICKCGQAWGT[Met971Val]MVHKGLDLPC

ClinVar aggregate classification (germline): Uncertain significance (1 of 4 stars; one submission).

Conditions:
Aicardi-Goutieres syndrome 7 (AGS7). Identifiers: Orphanet 51, MedGen C3888244, MONDO:0014367, OMIM 615846.
Singleton-Merten syndrome 1 (SGMRT1). Also called: Widened medullary cavities of bone, aortic calcification, abnormal dentition, and muscular weakness; Syndrome of widened medullary cavities of the metacarpals and phalanges, aortic calcification and abnormal dentition. Identifiers: Orphanet 85191, MedGen C4225427, MONDO:0024535, OMIM 182250.

gnomAD v4.1: 12 of 1,613,822 alleles (0.00074%); highest among the groups gnomAD compares: African/African-American, 0.011%; no homozygotes.

Submission:

Labcorp Genetics (formerly Invitae), Labcorp
Classification: Uncertain significance for Aicardi-Goutieres syndrome 7; Singleton-Merten syndrome 1. Last evaluated: 2025-12-28. Review status: criteria provided, single submitter. Criteria: Invitae Variant Classification Sherloc (09022015). Collection method: clinical testing. Allele origin: germline.
Comment: This sequence change replaces methionine, which is neutral and non-polar, with valine, which is neutral and non-polar, at codon 971 of the IFIH1 protein (p.Met971Val). This variant is present in population databases (no rsID available, gnomAD 0.008%). This variant has not been reported in the literature in individuals affected with IFIH1-related conditions. Invitae Evidence Modeling of protein sequence and biophysical properties (such as structural, functional, and spatial information, amino acid conservation, physicochemical variation, residue mobility, and thermodynamic stability) has been performed for this missense variant. However, the output from this modeling did not meet the statistical confidence thresholds required to predict the impact of this variant on IFIH1 protein function. In summary, the available evidence is currently insufficient to determine the role of this variant in disease. Therefore, it has been classified as a Variant of Uncertain Significance.